The following is an entry in ClinVar:

NM_014233.4(UBTF):c.1009C>T (p.Gln337Ter)

Genes: ATXN7L3-AS1 (ATXN7L3 antisense RNA 1; plus strand), UBTF (upstream binding transcription factor; minus strand). Cytogenetic location: 17q21.31.
Variant type: single nucleotide variant.
Coding change: c.1009C>T on transcript NM_014233.4 (MANE Select); coding-DNA position 1009, C replaced by T.
Protein change: p.Gln337Ter; replaces glutamine 337 with a stop codon.
Molecular consequence: nonsense. On other transcripts: non-coding transcript variant (1).
Genome position (GRCh38, 1-based): chr17:44,211,644, G>A on the plus strand (C>T on the coding strand, the complement: UBTF is on the minus strand). VCF-style: chr17-44211644-G-A. GRCh37 (hg19) VCF-style: chr17-42289012-G-A.
Other names: c.898C>T, p.Gln300Ter (NM_001076683.2, NM_001076684.3); short protein forms Q337*, Q300*.
Identifiers: ClinVar variation 3465435 (VCV003465435.1).

ClinVar aggregate classification (germline): Uncertain significance (1 of 4 stars; one submission).

Conditions:
Inborn genetic diseases. Identifiers: MedGen C0950123, MeSH D030342.

Submission:

Ambry Genetics
Classification: Uncertain significance for Inborn genetic diseases. Last evaluated: 2024-07-29. Review status: criteria provided, single submitter. Criteria: Ambry Variant Classification Scheme 2023. Collection method: clinical testing. Allele origin: germline.
Comment: The c.1009C>T (p.Q337*) alteration, located in exon 10 (coding exon 9) of the UBTF gene, consists of a C to T substitution at nucleotide position 1009. This changes the amino acid from a glutamine (Q) to a stop codon at amino acid position 337. However, loss-of-function of UBTF has not been established as a mechanism of disease. This variant was not reported in population-based cohorts in the Genome Aggregation Database (gnomAD). Based on insufficient or conflicting evidence, the clinical significance of this alteration remains unclear.